The following is an entry in ClinVar:

NM_005050.4(ABCD4):c.492C>G (p.Leu164=)

Gene: ABCD4 (ATP binding cassette subfamily D member 4; minus strand). Cytogenetic location: 14q24.3.
Variant type: single nucleotide variant.
Coding change: c.492C>G on transcript NM_005050.4 (MANE Select); coding-DNA position 492, C replaced by G.
Protein change: p.Leu164=; no amino-acid change (leucine 164 retained).
Molecular consequence: synonymous variant. On other transcripts: nonsense (3), 5 prime UTR variant (9), non-coding transcript variant (10).
Genome position (GRCh38, 1-based): chr14:74,296,383, G>C on the plus strand (C>G on the coding strand, the complement: ABCD4 is on the minus strand). VCF-style: chr14-74296383-G-C. GRCh37 (hg19) VCF-style: chr14-74763086-G-C.
Other names: p.Leu164=; c.492C>G, p.Leu164= (NM_001353591.2, NM_001353592.2, NM_020325.3); c.231C>G, p.Leu77= (NM_001353593.2, NM_001353594.2); c.83C>G, p.Ser28Ter (NM_001353595.2, NM_001353596.2, NM_001353597.2); c.15C>G, p.Leu5= (NM_001353598.2, NM_001353599.2, NM_001353600.2 and 2 more transcripts); c.-198C>G (NM_001353602.2, NM_001353608.2); c.-203C>G (NM_001353603.2, NM_001353604.2, NM_001353605.2 and 4 more transcripts); short protein forms S28*.
Identifiers: ClinVar variation 380498 (VCV000380498.12), dbSNP rs36031534, ClinGen allele CA7267204.

ClinVar aggregate classification (germline): Benign. Review status: criteria provided, multiple submitters, no conflicts (2 of 4 stars). 4 submissions from 4 submitters: Benign (4). Last evaluated 2026-02-04.

Conditions:
Methylmalonic acidemia with homocystinuria, type cblJ (MAHCJ). Also called: METHYLMALONIC ACIDURIA AND HOMOCYSTINURIA, cblJ TYPE. Identifiers: Orphanet 369955, MedGen C3553915, MONDO:0013925, OMIM 614857.

Allele frequency attached by ClinVar (database versions not stated): gnomAD exomes 0.01674; ExAC 0.02053; gnomAD 0.06538 and 0.06974; 1000 Genomes Project 0.07268; TOPMed 0.07330; ESP Exome Variant Server 0.07473; 1000 Genomes Project 30x 0.07995.

Submissions (4):

Labcorp Genetics (formerly Invitae), Labcorp
Classification: Benign for Methylmalonic acidemia with homocystinuria, type cblJ. Last evaluated: 2026-02-04. Review status: criteria provided, single submitter. Criteria: Invitae Variant Classification Sherloc (09022015). Collection method: clinical testing. Allele origin: germline.

Mayo Clinic Laboratories, Mayo Clinic
Classification: Benign. Last evaluated: 2022-07-22. Review status: criteria provided, single submitter. Criteria: ACMG Guidelines, 2015. Collection method: clinical testing. Allele origin: germline. Observed: 5 variant alleles.

GeneDx
Classification: Benign. Last evaluated: 2016-02-23. Review status: criteria provided, single submitter. Criteria: GeneDx Variant Classification (06012015). Collection method: clinical testing. Allele origin: germline. Affected: yes.
Comment: This variant is considered likely benign or benign based on one or more of the following criteria: it is a conservative change, it occurs at a poorly conserved position in the protein, it is predicted to be benign by multiple in silico algorithms, and/or has population frequency not consistent with disease.

Breakthrough Genomics
Classification: Benign. Review status: criteria provided, single submitter. Criteria: ACMG Guidelines, 2015. Collection method: not provided. Allele origin: germline. Inheritance: Autosomal recessive inheritance. Affected: yes.